The following is an entry in ClinVar:

ClinVar aggregate classification (germline): Likely benign (1 of 4 stars; one submission).

gnomAD v4.1: 394 of 1,614,010 alleles (0.024%); highest among the groups gnomAD compares: Admixed American, 0.095%; 1 homozygote.

Submission:

CeGaT Center for Human Genetics Tuebingen
Classification: Likely benign. Last evaluated: 2024-12-01. Review status: criteria provided, single submitter. Criteria: CeGaT Center For Human Genetics Tuebingen Variant Classification Criteria Version 2. Collection method: clinical testing. Allele origin: germline. Affected: yes. Observed: 1 variant allele.
Comment: KDM3B: BP4, BP7

NM_016604.4(KDM3B):c.3003C>T (p.Leu1001=)

Gene: KDM3B (lysine demethylase 3B; plus strand). Cytogenetic location: 5q31.2.
Variant type: single nucleotide variant.
Coding change: c.3003C>T on transcript NM_016604.4 (MANE Select); coding-DNA position 3003, C replaced by T.
Protein change: p.Leu1001=; no amino-acid change (leucine 1001 retained).
Molecular consequence: synonymous variant.
Genome position (GRCh38, 1-based): chr5:138,398,349, C>T. VCF-style: chr5-138398349-C-T. GRCh37 (hg19) VCF-style: chr5-137734038-C-T.
Identifiers: ClinVar variation 3770807 (VCV003770807.13).